The following is an entry in ClinVar:

NM_015338.6(ASXL1):c.4139C>G (p.Ala1380Gly)

Gene: ASXL1 (ASXL transcriptional regulator 1; plus strand). Cytogenetic location: 20q11.21.
Variant type: single nucleotide variant.
Coding change: c.4139C>G on transcript NM_015338.6 (MANE Select); coding-DNA position 4139, C replaced by G.
Protein change: p.Ala1380Gly; replaces alanine 1380 with glycine.
Molecular consequence: missense variant.
Genome position (GRCh38, 1-based): chr20:32,436,851, C>G. VCF-style: chr20-32436851-C-G. GRCh37 (hg19) VCF-style: chr20-31024654-C-G.
Other names: c.3956C>G, p.Ala1319Gly (NM_001363734.1); short protein forms A1319G, A1380G.
Identifiers: ClinVar variation 2171168 (VCV002171168.8), dbSNP rs139319958, ClinGen allele CA9808973.
Genomic context (GRCh38, chr20:32,436,851, plus strand): 5'-CACATGCCTTTGTTGGCAGCGTCAAGAATGAGAAGACTTTTGTGGGGGGTCCTCTTAAGG[C>G]AAATGCCGAGAACAGGAAAGCTACTGGGCATAGTCCCCTGGAACTGGTGGGTCACTTGGA-3'
Protein context (NP_056153.2, residues 1370-1390): EKTFVGGPLK[Ala1380Gly]NAENRKATGH

ClinVar aggregate classification (germline): Benign/Likely benign. Review status: criteria provided, multiple submitters, no conflicts (2 of 4 stars). 3 submissions from 3 submitters: Benign (1); Likely benign (1). 1 of the submissions does not count toward it. Last evaluated 2025-11-23.

Conditions:
Inborn genetic diseases. Identifiers: MedGen C0950123, MeSH D030342.
ASXL1-related disorder. Also called: ASXL1-related condition; ASXL1-related disorders.

Allele frequency attached by ClinVar (database versions not stated): ExAC 0.00003; gnomAD 0.00013; ESP Exome Variant Server 0.00015; TOPMed 0.00015; 1000 Genomes Project 30x 0.00016; 1000 Genomes Project 0.00020.
gnomAD v4.1: 36 of 1,614,166 alleles (0.0022%); highest among the groups gnomAD compares: African/African-American, 0.035%; no homozygotes.

Submissions (3):

Labcorp Genetics (formerly Invitae), Labcorp
Classification: Benign. Last evaluated: 2025-11-23. Review status: criteria provided, single submitter. Criteria: Invitae Variant Classification Sherloc (09022015). Collection method: clinical testing. Allele origin: germline.

Ambry Genetics
Classification: Likely benign for Inborn genetic diseases. Last evaluated: 2024-12-04. Review status: criteria provided, single submitter. Criteria: Ambry Variant Classification Scheme 2023. Collection method: clinical testing. Allele origin: germline.

PreventionGenetics, part of Exact Sciences
Classification: Likely benign for ASXL1-related condition. Last evaluated: 2019-04-26. Review status: no assertion criteria provided. Collection method: clinical testing. Allele origin: germline. Not counted in ClinVar's aggregate classification.
Comment: This variant is classified as likely benign based on ACMG/AMP sequence variant interpretation guidelines (Richards et al. 2015 PMID: 25741868, with internal and published modifications).